The following is an entry in ClinVar:

NM_003801.4(GPAA1):c.808G>A (p.Gly270Ser)

Gene: GPAA1 (glycosylphosphatidylinositol anchor attachment 1; plus strand). Cytogenetic location: 8q24.3.
Variant type: single nucleotide variant.
Coding change: c.808G>A on transcript NM_003801.4 (MANE Select); coding-DNA position 808, G replaced by A.
Protein change: p.Gly270Ser; replaces glycine 270 with serine.
Molecular consequence: missense variant.
Genome position (GRCh38, 1-based): chr8:144,084,325, G>A. VCF-style: chr8-144084325-G-A. GRCh37 (hg19) VCF-style: chr8-145139228-G-A.
Other names: short protein forms G270S.
Identifiers: ClinVar variation 1365519 (VCV001365519.5), dbSNP rs782134271, ClinGen allele CA4932926.
Genomic context (GRCh38, chr8:144,084,325, plus strand): 5'-GACCTGCTCAATCTCTTCCAGACCTTCTGCCAGAAAGGGGGCCTGTTGTGCACGCTTCAG[G>A]GCAAGGTGGGGCTGCCTGCCTGCCTGAGGGCTGAAGGGCACAGGGTCTGTGGGAGGGGCT-3'
Protein context (NP_003792.1, residues 260-280): QKGGLLCTLQ[Gly270Ser]KLQPEDWTSL

ClinVar aggregate classification (germline): Uncertain significance (1 of 4 stars; one submission).

Allele frequency attached by ClinVar (database versions not stated): TOPMed below 0.00001; ExAC 0.00001; gnomAD exomes 0.00001 and 0.00002.
gnomAD v4.1: 12 of 1,613,308 alleles (0.00074%); highest among the groups gnomAD compares: Admixed American, 0.017%; no homozygotes.

Submission:

Labcorp Genetics (formerly Invitae), Labcorp
Classification: Uncertain significance. Last evaluated: 2024-02-26. Review status: criteria provided, single submitter. Criteria: Invitae Variant Classification Sherloc (09022015). Collection method: clinical testing. Allele origin: germline.
Comment: This sequence change replaces glycine, which is neutral and non-polar, with serine, which is neutral and polar, at codon 270 of the GPAA1 protein (p.Gly270Ser). This variant is present in population databases (rs782134271, gnomAD 0.003%). This variant has not been reported in the literature in individuals affected with GPAA1-related conditions. ClinVar contains an entry for this variant (Variation ID: 1365519). Advanced modeling of protein sequence and biophysical properties (such as structural, functional, and spatial information, amino acid conservation, physicochemical variation, residue mobility, and thermodynamic stability) performed at Invitae indicates that this missense variant is not expected to disrupt GPAA1 protein function with a negative predictive value of 80%. In summary, the available evidence is currently insufficient to determine the role of this variant in disease. Therefore, it has been classified as a Variant of Uncertain Significance.